The following is an entry in ClinVar:

ClinVar aggregate classification (germline): Uncertain significance (1 of 4 stars; one submission).

Conditions:
X-linked severe combined immunodeficiency (SCIDX1). Also called: IMMUNODEFICIENCY 4; SCID, X-LINKED; SEVERE COMBINED IMMUNODEFICIENCY, X-LINKED, T CELL-NEGATIVE, B CELL-POSITIVE, NK CELL-NEGATIVE; T-B+ severe combined immunodeficiency due to gamma chain deficiency; X-Linked Combined Immunodeficiency Diseases. Identifiers: Orphanet 276, MedGen C6022468, MONDO:0010315, OMIM 300400. Disease mechanism: loss of function.

Submission:

Labcorp Genetics (formerly Invitae), Labcorp
Classification: Uncertain significance for X-linked severe combined immunodeficiency. Last evaluated: 2025-03-18. Review status: criteria provided, single submitter. Criteria: Invitae Variant Classification Sherloc (09022015). Collection method: clinical testing. Allele origin: germline.
Comment: This sequence change replaces tryptophan, which is neutral and slightly polar, with arginine, which is basic and polar, at codon 197 of the IL2RG protein (p.Trp197Arg). This variant is not present in population databases (gnomAD no frequency). This missense change has been observed in individual(s) with early-onset infammatory bowel disease (PMID: 37461086). ClinVar contains an entry for this variant (Variation ID: 1508704). Invitae Evidence Modeling of protein sequence and biophysical properties (such as structural, functional, and spatial information, amino acid conservation, physicochemical variation, residue mobility, and thermodynamic stability) indicates that this missense variant is expected to disrupt IL2RG protein function with a positive predictive value of 95%. In summary, the available evidence is currently insufficient to determine the role of this variant in disease. Therefore, it has been classified as a Variant of Uncertain Significance.

Literature cited by the submitters: PubMed 37461086.

NM_000206.3(IL2RG):c.589T>C (p.Trp197Arg)

Gene: IL2RG (interleukin 2 receptor subunit gamma; minus strand). Cytogenetic location: Xq13.1.
Variant type: single nucleotide variant.
Coding change: c.589T>C on transcript NM_000206.3 (MANE Select); coding-DNA position 589, T replaced by C.
Protein change: p.Trp197Arg; replaces tryptophan 197 with arginine.
Molecular consequence: missense variant.
Genome position (GRCh38, 1-based): chrX:71,110,161, A>G on the plus strand (T>C on the coding strand, the complement: IL2RG is on the minus strand). VCF-style: chrX-71110161-A-G. GRCh37 (hg19) VCF-style: chrX-70330011-A-G.
Other names: short protein forms W197R.
Identifiers: ClinVar variation 1508704 (VCV001508704.6), dbSNP rs2147749604, ClinGen allele CA413496200.